The following is an entry in ClinVar:

ClinVar aggregate classification (germline): Likely pathogenic (1 of 4 stars; one submission).

Conditions:
Argininosuccinate lyase deficiency. Also called: ARGININOSUCCINIC ACID LYASE DEFICIENCY; ASL DEFICIENCY; Argininosuccinic aciduria. Identifiers: Orphanet 23, MedGen C0268547, MONDO:0008815, OMIM 207900, HP:0025630.

Submission:

Natera, Inc.
Classification: Likely pathogenic for Argininosuccinate lyase deficiency. Last evaluated: 2025-03-22. Review status: criteria provided, single submitter. Criteria: Natera Variant Classification Schema (03/2026). Collection method: clinical testing. Allele origin: germline.
Comment: The c.656-1dupG variant in ASL is a canonical splice acceptor site variant predicted to affect pre-mRNA splicing, which may result in an abnormal transcript and altered protein product. This variant is expected to result in nonsense mediated decay, truncation, or a dysfunctional protein product. This variant is rare in the general population with a frequency below the threshold expected for the associated phenotype(s). Given the available evidence, this variant is classified as Likely Pathogenic.

NM_000048.4(ASL):c.656-1dup

Gene: ASL (argininosuccinate lyase; plus strand). Cytogenetic location: 7q11.21.
Variant type: Duplication.
Coding change: c.656-1dup on transcript NM_000048.4 (MANE Select); the canonical splice acceptor site of the intron before coding-DNA position 656, one base duplicated (G; older notation c.656-1dupG).
Molecular consequence: splice acceptor variant.
Genome position (GRCh38, 1-based): chr7:66,087,728, G duplicated. VCF-style (leftmost placement, unchanged base first): chr7-66087727-A-AG. GRCh37 (hg19) VCF-style: chr7-65552714-A-AG.
Other names: c.656-1dup (NM_001024943.2, NM_001024944.2); c.578-1dup (NM_001024946.2).
Identifiers: ClinVar variation 4818363 (VCV004818363.1).
Genomic context (GRCh38, chr7:66,087,727, plus strand): 5'-TTGGGGGAGAGGGGGCCACTCCCTGTCCTCCAGCTTAGCCCTGCTTCCTCCCACCCCCCC[A>AG]GAACTCAACTTTGGGGCCATCACTCTCAACAGCATGGATGCCACTAGTGAGCGGGACTTT-3'